The following is an entry in ClinVar:

ClinVar aggregate classification (germline): Uncertain significance (1 of 4 stars; one submission).

Conditions:
Polyagglutinable erythrocyte syndrome (TNPS). Also called: TN POLYAGGLUTINATION SYNDROME, SOMATIC; GALACTOSYLTRANSFERASE DEFICIENCY; TN POLYAGGLUTINATION SYNDROME. Identifiers: MedGen C0272137, MONDO:0010381, OMIM 300622.

Allele frequency attached by ClinVar (database versions not stated): gnomAD exomes 0.00002; ExAC 0.00003; gnomAD 0.00004 and 0.00009; TOPMed 0.00011.

Submission:

Labcorp Genetics (formerly Invitae), Labcorp
Classification: Uncertain significance for Polyagglutinable erythrocyte syndrome. Last evaluated: 2025-04-23. Review status: criteria provided, single submitter. Criteria: Invitae Variant Classification Sherloc (09022015). Collection method: clinical testing. Allele origin: germline.
Comment: This sequence change replaces proline, which is neutral and non-polar, with serine, which is neutral and polar, at codon 47 of the C1GALT1C1 protein (p.Pro47Ser). This variant is present in population databases (rs755636243, gnomAD 0.005%). This variant has not been reported in the literature in individuals affected with C1GALT1C1-related conditions. ClinVar contains an entry for this variant (Variation ID: 648495). An algorithm developed to predict the effect of missense changes on protein structure and function (PolyPhen-2) suggests that this variant is likely to be tolerated. In summary, the available evidence is currently insufficient to determine the role of this variant in disease. Therefore, it has been classified as a Variant of Uncertain Significance.

NM_001011551.3(C1GALT1C1):c.139C>T (p.Pro47Ser)

Gene: C1GALT1C1 (C1GALT1 specific chaperone 1; minus strand). Cytogenetic location: Xq24.
Variant type: single nucleotide variant.
Coding change: c.139C>T on transcript NM_001011551.3 (MANE Select); coding-DNA position 139, C replaced by T.
Protein change: p.Pro47Ser; replaces proline 47 with serine.
Molecular consequence: missense variant.
Genome position (GRCh38, 1-based): chrX:120,627,028, G>A on the plus strand (C>T on the coding strand, the complement: C1GALT1C1 is on the minus strand). VCF-style: chrX-120627028-G-A. GRCh37 (hg19) VCF-style: chrX-119760883-G-A.
Other names: c.139C>T, p.Pro47Ser (NM_152692.5); short protein forms P47S.
Identifiers: ClinVar variation 648495 (VCV000648495.8), dbSNP rs755636243, ClinGen allele CA10505995.